The following is an entry in ClinVar:

ClinVar aggregate classification (germline): Conflicting classifications of pathogenicity. Review status: criteria provided, conflicting classifications (1 of 4 stars). 2 submissions from 2 submitters: Likely pathogenic (1); Uncertain significance (1). Last evaluated 2022-12-13.

Submissions (2):

Blueprint Genetics
Classification: Uncertain significance. Last evaluated: 2022-12-13. Review status: criteria provided, single submitter. Criteria: ACMG Guidelines, 2015. Collection method: clinical testing. Allele origin: germline.

GeneDx
Classification: Likely pathogenic. Last evaluated: 2022-12-13. Review status: criteria provided, single submitter. Criteria: GeneDx Variant Classification Process June 2021. Collection method: clinical testing. Allele origin: germline.
Comment: Not observed at significant frequency in large population cohorts (gnomAD); In silico analysis supports that this missense variant has a deleterious effect on protein structure/function; This variant is associated with the following publications: (PMID: 34415986)

NM_001368894.2(PAX6):c.184G>T (p.Val62Leu)

Gene: PAX6 (paired box 6; minus strand). Cytogenetic location: 11p13.
Variant type: single nucleotide variant.
Coding change: c.184G>T on transcript NM_001368894.2 (MANE Select); coding-DNA position 184, G replaced by T.
Protein change: p.Val62Leu; replaces valine 62 with leucine.
Molecular consequence: missense variant. On other transcripts: 5 prime UTR variant (14), non-coding transcript variant (2).
Genome position (GRCh38, 1-based): chr11:31,801,776, C>A on the plus strand (G>T on the coding strand, the complement: PAX6 is on the minus strand). VCF-style: chr11-31801776-C-A. GRCh37 (hg19) VCF-style: chr11-31823324-C-A.
Other names: c.184G>T, p.Val62Leu (NM_001368925.2, NM_001368926.2, NM_001368927.2 and 13 more transcripts); c.142G>T, p.Val48Leu (NM_001368928.2, NM_000280.6, NM_001127612.3 and 11 more transcripts); c.-267G>T (NM_001368929.2, NM_001310161.3, NM_001368899.2 and 8 more transcripts); c.-598G>T (NM_001310160.2, NM_001368902.2, NM_001368905.2); c.385G>T, p.Val129Leu (NM_001368910.2); c.187G>T, p.Val63Leu (NM_001368911.2); c.259G>T, p.Val87Leu (NM_001368918.2, NM_001368919.2); c.217G>T, p.Val73Leu (NM_001368920.2); short protein forms V129L, V48L, V62L, V63L, V73L, V87L.
Identifiers: ClinVar variation 1712743 (VCV001712743.4), dbSNP rs2496155861, ClinGen allele CA379959146.
Genomic context (GRCh38, chr11:31,801,776, plus strand): 5'-GTCTGATGGAGCCAGTCTCGTAATACCTGCCCAGAATTTTACTCACACATCCGTTGGACA[C>A]CTGCATAGGGGAAGTGGACAGAAAACCACATTATTAATAATTTCAAGACAAAAATAAAAT-3'
Protein context (NP_001355823.1, residues 52-72): AKVQVLDNQN[Val62Leu]SNGCVSKILG